The following is an entry in ClinVar:

ClinVar aggregate classification (germline): Pathogenic (1 of 4 stars; one submission).

Conditions:
Congenital adrenal insufficiency with 46, XY sex reversal OR 46,XY disorder of sex development-adrenal insufficiency due to CYP11A1 deficiency. Also called: P450scc DEFICIENCY; Congenital adrenal insuffiency with 46, XY sex reversal OR 46,XY disorder of sex development-adrenal insufficiency due to CYP11A1 deficiency. Identifiers: Orphanet 168558, MedGen C3151055, MONDO:0013400, OMIM 613743.

Submission:

Myriad Genetics, Inc.
Classification: Pathogenic for Congenital adrenal insufficiency with 46, XY sex reversal OR 46,XY disorder of sex development-adrenal insufficiency due to CYP11A1 deficiency. Last evaluated: 2025-06-15. Review status: criteria provided, single submitter. Criteria: Myriad Autosomal Dominant, Autosomal Recessive and X-Linked Classification Criteria (2023). Collection method: clinical testing. Allele origin: unknown.
Comment: NM_000781.2(CYP11A1):c.466C>T(Q156*) is expected to be pathogenic in the context of congenital adrenal hyperplasia, CYP11A1-related. This variant is predicted to lead to an abnormal or absent protein product due to the creation of a premature termination codon in CYP11A1, a gene where loss-of-function variants are known to be pathogenic. Please note: this variant was assessed in the context of healthy population screening.

NM_000781.3(CYP11A1):c.466C>T (p.Gln156Ter)

Gene: CYP11A1 (cytochrome P450 family 11 subfamily A member 1; minus strand). Cytogenetic location: 15q24.1.
Variant type: single nucleotide variant.
Coding change: c.466C>T on transcript NM_000781.3 (MANE Select); coding-DNA position 466, C replaced by T.
Protein change: p.Gln156Ter; replaces glutamine 156 with a stop codon.
Molecular consequence: nonsense. On other transcripts: 5 prime UTR variant (1).
Genome position (GRCh38, 1-based): chr15:74,345,203, G>A on the plus strand (C>T on the coding strand, the complement: CYP11A1 is on the minus strand). VCF-style: chr15-74345203-G-A. GRCh37 (hg19) VCF-style: chr15-74637544-G-A.
Other names: c.-9C>T (NM_001099773.2); short protein forms Q156*.
Identifiers: ClinVar variation 5014600 (VCV005014600.1).